The following is an entry in ClinVar:

NM_004612.4(TGFBR1):c.848A>G (p.His283Arg)

Gene: TGFBR1 (transforming growth factor beta receptor 1; plus strand). Cytogenetic location: 9q22.33.
Variant type: single nucleotide variant.
Coding change: c.848A>G on transcript NM_004612.4 (MANE Select); coding-DNA position 848, A replaced by G.
Protein change: p.His283Arg; replaces histidine 283 with arginine.
Molecular consequence: missense variant.
Genome position (GRCh38, 1-based): chr9:99,142,578, A>G. VCF-style: chr9-99142578-A-G. GRCh37 (hg19) VCF-style: chr9-101904860-A-G.
Other names: c.617A>G, p.His206Arg (NM_001130916.3); c.860A>G, p.His287Arg (NM_001306210.2); short protein forms H283R, H206R, H287R.
Identifiers: ClinVar variation 477563 (VCV000477563.13), dbSNP rs1064796037, ClinGen allele CA374230578.
Genomic context (GRCh38, chr9:99,142,578, plus strand): 5'-GTTAATTCTGTTTTACAGACAATGGTACTTGGACTCAGCTCTGGTTGGTGTCAGATTATC[A>G]TGAGCATGGATCCCTTTTTGATTACTTAAACAGATACACAGTTACTGTGGAAGGAATGAT-3'
Protein context (NP_004603.1, residues 273-293): WTQLWLVSDY[His283Arg]EHGSLFDYLN

ClinVar aggregate classification (germline): Conflicting classifications of pathogenicity. Review status: criteria provided, conflicting classifications (1 of 4 stars). 3 submissions from 3 submitters: Pathogenic (1); Likely pathogenic (1); Uncertain significance (1). Last evaluated 2025-11-12.

Conditions:
Familial thoracic aortic aneurysm and aortic dissection (TAAD). Also called: Thoracic aortic aneurysms and dissections. Identifiers: Orphanet 91387, MedGen C4707243, MONDO:0019625.
Loeys-Dietz syndrome 1 (LDS1). Also called: TGFBR1-Related Loeys-Dietz Syndrome; FURLONG SYNDROME; AORTIC ANEURYSM, FAMILIAL THORACIC 5. Identifiers: Orphanet 60030, MedGen C4551955, MONDO:0012212, OMIM 609192.

Allele frequency attached by ClinVar (database versions not stated): gnomAD exomes below 0.00001.
gnomAD v4.1: 1 of 1,614,106 alleles (0.000062%); highest among the groups gnomAD compares: Non-Finnish European, 0.000085%; no homozygotes.

Submissions (3):

Labcorp Genetics (formerly Invitae), Labcorp
Classification: Pathogenic for Familial thoracic aortic aneurysm and aortic dissection. Last evaluated: 2025-11-12. Review status: criteria provided, single submitter. Criteria: Invitae Variant Classification Sherloc (09022015). Collection method: clinical testing. Allele origin: germline.
Comment: This sequence change replaces histidine, which is basic and polar, with arginine, which is basic and polar, at codon 283 of the TGFBR1 protein (p.His283Arg). This variant is not present in population databases (gnomAD no frequency). This missense change has been observed in individuals with TGFBR1-related conditions and thoracic aortic aneurysm and dissection (PMID: 25326635, 27879313; internal data). It has also been observed to segregate with disease in related individuals. ClinVar contains an entry for this variant (Variation ID: 477563). Invitae Evidence Modeling of protein sequence and biophysical properties (such as structural, functional, and spatial information, amino acid conservation, physicochemical variation, residue mobility, and thermodynamic stability) indicates that this missense variant is expected to disrupt TGFBR1 protein function with a positive predictive value of 80%. This variant disrupts the p.His283 amino acid residue in TGFBR1. Other variant(s) that disrupt this residue have been observed in individuals with TGFBR1-related conditions (PMID: 27125181), which suggests that this may be a clinically significant amino acid residue. For these reasons, this variant has been classified as Pathogenic.

Color Diagnostics, LLC DBA Color Health
Classification: Likely pathogenic for Familial thoracic aortic aneurysm and aortic dissection. Last evaluated: 2025-08-04. Review status: criteria provided, single submitter. Criteria: ACMG Guidelines, 2015. Collection method: clinical testing. Allele origin: germline.
Comment: This missense variant replaces histidine with arginine at codon 283 in the highly conserved protein kinase domain (a.a. 205-495) of the TGFBR1 protein. Computational prediction suggests that this variant may have deleterious impact on protein structure and function. To our knowledge, functional studies have not been reported for this variant. This variant has been reported in a few individuals affected with thoracic aortic aneurysm and aortic dissection (PMID: 27879313ClinVar: SCV000658861.7), in an adult individual affected with Loeys-Dietz syndrome (DOI 10.1016/j.xjon.2025.06.013) and in twin girls affected with Loeys-Dietz syndrome (ClinVar: SCV000807567.2). This variant has not been identified in the general population by the Genome Aggregation Database (gnomAD). Based on the available evidence, this variant is classified as a Likely Pathogenic.

Baylor Genetics
Classification: Uncertain significance for Loeys-Dietz syndrome 1. Last evaluated: 2017-09-01. Review status: criteria provided, single submitter. Criteria: ACMG Guidelines, 2015. Collection method: clinical testing. Allele origin: germline. Inheritance: Autosomal dominant inheritance. Affected: yes.

Literature cited by the submitters: PubMed 25326635 (cited by Labcorp Genetics (formerly Invitae), Labcorp and Baylor Genetics); PubMed 27879313 (cited by Labcorp Genetics (formerly Invitae), Labcorp and Color Diagnostics, LLC DBA Color Health); PubMed 27125181 (cited by Labcorp Genetics (formerly Invitae), Labcorp).